The following is an entry in ClinVar:

ClinVar aggregate classification (germline): Uncertain significance (1 of 4 stars; one submission).

Conditions:
Distal hereditary motor neuropathy type 2. Identifiers: Orphanet 139525, MedGen C3711384, MeSH C580044, MONDO:0015352.

gnomAD v4.1: 9 of 1,614,176 alleles (0.00056%); highest among the groups gnomAD compares: Non-Finnish European, 0.00076%; no homozygotes.

Submission:

Labcorp Genetics (formerly Invitae), Labcorp
Classification: Uncertain significance for Distal hereditary motor neuropathy type 2. Last evaluated: 2023-05-25. Review status: criteria provided, single submitter. Criteria: Invitae Variant Classification Sherloc (09022015). Collection method: clinical testing. Allele origin: germline.
Comment: This variant is not present in population databases (gnomAD no frequency). This sequence change replaces arginine, which is basic and polar, with serine, which is neutral and polar, at codon 780 of the FBXO38 protein (p.Arg780Ser). This variant has not been reported in the literature in individuals affected with FBXO38-related conditions. ClinVar contains an entry for this variant (Variation ID: 1055386). Advanced modeling of protein sequence and biophysical properties (such as structural, functional, and spatial information, amino acid conservation, physicochemical variation, residue mobility, and thermodynamic stability) performed at Invitae indicates that this missense variant is not expected to disrupt FBXO38 protein function. In summary, the available evidence is currently insufficient to determine the role of this variant in disease. Therefore, it has been classified as a Variant of Uncertain Significance.

NM_205836.3(FBXO38):c.2340G>T (p.Arg780Ser)

Gene: FBXO38 (F-box protein 38; plus strand). Cytogenetic location: 5q32.
Variant type: single nucleotide variant.
Coding change: c.2340G>T on transcript NM_205836.3 (MANE Select); coding-DNA position 2340, G replaced by T.
Protein change: p.Arg780Ser; replaces arginine 780 with serine.
Molecular consequence: missense variant. On other transcripts: intron variant (1).
Genome position (GRCh38, 1-based): chr5:148,427,634, G>T. VCF-style: chr5-148427634-G-T. GRCh37 (hg19) VCF-style: chr5-147807197-G-T.
Other names: c.2340G>T, p.Arg780Ser (NM_030793.5); c.1918+1933G>T (NM_001271723.2); short protein forms R780S.
Identifiers: ClinVar variation 1055386 (VCV001055386.10), dbSNP rs143193609, ClinGen allele CA361657576.